The following is an entry in ClinVar:

ClinVar aggregate classification (germline): Uncertain significance (1 of 4 stars; one submission).

Conditions:
Immunodeficiency, common variable, 10. Also called: IMMUNODEFICIENCY, COMMON VARIABLE, WITH CENTRAL ADRENAL INSUFFICIENCY; DEFICIT IN ANTERIOR PITUITARY FUNCTION AND VARIABLE IMMUNODEFICIENCY. Identifiers: MedGen C3809991, MONDO:0014260, OMIM 615577.

Submission:

Neuberg Centre For Genomic Medicine, NCGM
Classification: Uncertain significance for Immunodeficiency, common variable, 10. Review status: criteria provided, single submitter. Criteria: ACMG Guidelines, 2015. Collection method: clinical testing. Allele origin: germline. Inheritance: Autosomal dominant inheritance. Affected: yes.
Comment: The synonymous variant p.D219= in NFKB2 (NM_001322934.2) has not been reported previously as a pathogenic variant nor as a benign variant, to our knowledge. The p.D219= variant is novel (not in any individuals) in gnomAD Exomes and is novel (not in any individuals) in 1000 Genomes. The nucleotide c.657 in NFKB2 is predicted conserved by GERP++ and PhyloP across 100 vertebrates. For these reasons, this variant has been classified as Uncertain Significance.

NM_001322934.2(NFKB2):c.657C>T (p.Asp219=)

Gene: NFKB2 (nuclear factor kappa B subunit 2; plus strand). Cytogenetic location: 10q24.32.
Variant type: single nucleotide variant.
Coding change: c.657C>T on transcript NM_001322934.2 (MANE Select); coding-DNA position 657, C replaced by T.
Protein change: p.Asp219=; no amino-acid change (aspartic acid 219 retained).
Molecular consequence: synonymous variant.
Genome position (GRCh38, 1-based): chr10:102,397,681, C>T. VCF-style: chr10-102397681-C-T. GRCh37 (hg19) VCF-style: chr10-104157438-C-T.
Other names: c.657C>T, p.Asp219= (NM_001077493.1, NM_001077494.3, NM_001261403.3 and 3 more transcripts).
Identifiers: ClinVar variation 2627508 (VCV002627508.1), dbSNP rs565849275, ClinGen allele CA212214646.
Genomic context (GRCh38, chr10:102,397,681, plus strand): 5'-AGCCAGTGATGGCTCCTTCTCCCTGCCCCTGAAGCCAGTCATCTCCCAGCCCATCCATGA[C>T]AGCAGTGAGTATCCTGATTGCCTGGGGTGCCAGGCCTGGTGGCAGAGGTGGCATGAGGGG-3'
Protein context (NP_001309863.1, residues 209-229): LKPVISQPIH[Asp219=]SKSPGASNLK